The following is an entry in ClinVar:

ClinVar aggregate classification (germline): Uncertain significance. Review status: criteria provided, single submitter (1 of 4 stars). 2 submissions from 2 submitters: Uncertain significance (1). 1 of the submissions does not count toward it. Last evaluated 2023-05-08.

Conditions:
Cardiomyopathy (CMYO). Also called: Cardiomyopathies. Identifiers: Orphanet 167848, MedGen C0878544, MONDO:0004994, HP:0001638. Inheritance: Various modes of inheritance.
Duchenne muscular dystrophy (DMD). Also called: MUSCULAR DYSTROPHY, PSEUDOHYPERTROPHIC PROGRESSIVE, DUCHENNE TYPE; Duchenne Muscular Dystrophy (DMD). Identifiers: Orphanet 98896, MedGen C0013264, MONDO:0010679, OMIM 310200.
Becker muscular dystrophy (BMD). Also called: MUSCULAR DYSTROPHY, PSEUDOHYPERTROPHIC PROGRESSIVE, BECKER TYPE; Becker Muscular Dystrophy (BMD). Identifiers: Orphanet 98895, MedGen C0917713, MONDO:0010311, OMIM 300376.
Dystrophin deficiency.

Submissions (2):

Labcorp Genetics (formerly Invitae), Labcorp
Classification: Uncertain significance for Duchenne muscular dystrophy. Last evaluated: 2023-05-08. Review status: criteria provided, single submitter. Criteria: Invitae Variant Classification Sherloc (09022015). Collection method: clinical testing. Allele origin: germline.
Comment: ClinVar contains an entry for this variant (Variation ID: 582858). In summary, the available evidence is currently insufficient to determine the role of this variant in disease. Therefore, it has been classified as a Variant of Uncertain Significance. Advanced modeling of protein sequence and biophysical properties (such as structural, functional, and spatial information, amino acid conservation, physicochemical variation, residue mobility, and thermodynamic stability) performed at Invitae indicates that this missense variant is not expected to disrupt DMD protein function. This variant has not been reported in the literature in individuals affected with DMD-related conditions. This variant is not present in population databases (gnomAD no frequency). This sequence change replaces proline, which is neutral and non-polar, with leucine, which is neutral and non-polar, at codon 316 of the DMD protein (p.Pro316Leu).

Natera, Inc.
Classification: Uncertain significance for Becker muscular dystrophy; Cardiomyopathy; Duchenne muscular dystrophy; Dystrophin deficiency. Last evaluated: 2020-05-12. Review status: no assertion criteria provided. Collection method: clinical testing. Allele origin: germline. Not counted in ClinVar's aggregate classification.

NM_004006.3(DMD):c.947C>T (p.Pro316Leu)

Gene: DMD (dystrophin; minus strand). Cytogenetic location: Xp21.1.
Variant type: single nucleotide variant.
Coding change: c.947C>T on transcript NM_004006.3 (MANE Select); coding-DNA position 947, C replaced by T.
Protein change: p.Pro316Leu; replaces proline 316 with leucine.
Molecular consequence: missense variant.
Genome position (GRCh38, 1-based): chrX:32,697,883, G>A on the plus strand (C>T on the coding strand, the complement: DMD is on the minus strand). VCF-style: chrX-32697883-G-A. GRCh37 (hg19) VCF-style: chrX-32716000-G-A.
Other names: c.923C>T, p.Pro308Leu (NM_000109.4); c.935C>T, p.Pro312Leu (NM_004009.3); c.578C>T, p.Pro193Leu (NM_004010.3); short protein forms P316L, P193L, P312L, P308L.
Identifiers: ClinVar variation 582858 (VCV000582858.10), dbSNP rs1569467334, ClinGen allele CA412668387.